The following is an entry in ClinVar:

ClinVar aggregate classification (germline): Uncertain significance. Review status: criteria provided, multiple submitters, no conflicts (2 of 4 stars). 3 submissions from 3 submitters: Uncertain significance (3). Last evaluated 2025-06-16.

Conditions:
Hereditary cancer-predisposing syndrome. Also called: Neoplastic Syndromes, Hereditary; Hereditary neoplastic syndrome; Tumor predisposition; Hereditary Cancer Syndrome. Identifiers: Orphanet 140162, MedGen C0027672, MeSH D009386, MONDO:0015356.
Ataxia-telangiectasia syndrome (AT). Also called: Ataxia telangiectasia (A-T); Cerebello-oculocutaneous telangiectasia; Immunodeficiency with ataxia telangiectasia; LOUIS-BAR SYNDROME; AT, COMPLEMENTATION GROUP C; ATAXIA-TELANGIECTASIA, FRESNO VARIANT. Identifiers: Orphanet 100, MedGen C0004135, MONDO:0008840, OMIM 208900.

Submissions (3):

Labcorp Genetics (formerly Invitae), Labcorp
Classification: Uncertain significance for Ataxia-telangiectasia syndrome. Last evaluated: 2025-06-16. Review status: criteria provided, single submitter. Criteria: Invitae Variant Classification Sherloc (09022015). Collection method: clinical testing. Allele origin: germline.
Comment: This sequence change replaces tyrosine, which is neutral and polar, with cysteine, which is neutral and slightly polar, at codon 2521 of the ATM protein (p.Tyr2521Cys). This variant is not present in population databases (gnomAD no frequency). This variant has not been reported in the literature in individuals affected with ATM-related conditions. ClinVar contains an entry for this variant (Variation ID: 233458). Invitae Evidence Modeling of protein sequence and biophysical properties (such as structural, functional, and spatial information, amino acid conservation, physicochemical variation, residue mobility, and thermodynamic stability) indicates that this missense variant is expected to disrupt ATM protein function with a positive predictive value of 95%. In summary, the available evidence is currently insufficient to determine the role of this variant in disease. Therefore, it has been classified as a Variant of Uncertain Significance.

Color Diagnostics, LLC DBA Color Health
Classification: Uncertain significance for Hereditary cancer-predisposing syndrome. Last evaluated: 2023-12-05. Review status: criteria provided, single submitter. Criteria: ACMG Guidelines, 2015. Collection method: clinical testing. Allele origin: germline.
Comment: This missense variant replaces tyrosine with cysteine at codon 2521 of the ATM protein. Computational prediction suggests that this variant may have deleterious impact on protein structure and function (internally defined REVEL score threshold >= 0.7, PMID: 27666373). To our knowledge, functional studies have not been reported for this variant. This variant has not been reported in individuals affected with ATM-related disorders in the literature. This variant has not been identified in the general population by the Genome Aggregation Database (gnomAD). The available evidence is insufficient to determine the role of this variant in disease conclusively. Therefore, this variant is classified as a Variant of Uncertain Significance.

Ambry Genetics
Classification: Uncertain significance for Hereditary cancer-predisposing syndrome. Last evaluated: 2023-01-26. Review status: criteria provided, single submitter. Criteria: Ambry Variant Classification Scheme 2023. Collection method: clinical testing. Allele origin: germline.
Comment: The p.Y2521C variant (also known as c.7562A>G), located in coding exon 50 of the ATM gene, results from an A to G substitution at nucleotide position 7562. The tyrosine at codon 2521 is replaced by cysteine, an amino acid with highly dissimilar properties. This amino acid position is highly conserved in available vertebrate species. In addition, this alteration is predicted to be deleterious by in silico analysis. Since supporting evidence is limited at this time, the clinical significance of this alteration remains unclear.

NM_000051.4(ATM):c.7562A>G (p.Tyr2521Cys)

Genes: ATM (ATM serine/threonine kinase; plus strand), C11orf65 (chromosome 11 open reading frame 65; minus strand). Cytogenetic location: 11q22.3.
Variant type: single nucleotide variant.
Coding change: c.7562A>G on transcript NM_000051.4 (MANE Select); coding-DNA position 7562, A replaced by G.
Protein change: p.Tyr2521Cys; replaces tyrosine 2521 with cysteine.
Molecular consequence: missense variant. On other transcripts: non-coding transcript variant (1), intron variant (2).
Genome position (GRCh38, 1-based): chr11:108,331,490, A>G. VCF-style: chr11-108331490-A-G. GRCh37 (hg19) VCF-style: chr11-108202217-A-G.
Other names: c.7562A>G, p.Tyr2521Cys (NM_001351834.2); c.641-22419T>C (NM_001330368.2); c.*38+3730T>C (NM_001351110.2); short protein forms Y2521C.
Identifiers: ClinVar variation 233458 (VCV000233458.20), dbSNP rs876660422, ClinGen allele CA10579260.
Genomic context (GRCh38, chr11:108,331,490, plus strand): 5'-TTTTTTAATGGTAGAGAGACGGAATGAAGATTCCAACATATAAATTTTTGCCTCTTATGT[A>G]CCAATTGGCTGCTAGAATGGGGACCAAGATGATGGGAGGCCTAGGATTTCATGAAGTCCT-3'
Protein context (NP_000042.3, residues 2511-2531): IPTYKFLPLM[Tyr2521Cys]QLAARMGTKM